The following is an entry in ClinVar:

ClinVar aggregate classification (germline): Uncertain significance. Review status: criteria provided, multiple submitters, no conflicts (2 of 4 stars). 8 submissions from 7 submitters: Uncertain significance (6). 2 of the submissions do not count toward it. Last evaluated 2025-03-03.

Conditions:
Retinitis pigmentosa 39 (RP39). Identifiers: Orphanet 791, MedGen C3151138, MONDO:0013436, OMIM 613809.
Usher syndrome type 2A. Also called: RETINAL DISEASE IN USHER SYNDROME TYPE IIA, MODIFIER OF; USHER SYNDROME, TYPE IIA. Identifiers: Orphanet 231178, Orphanet 886, MedGen C1848634, MONDO:0010169, OMIM 276901.
Retinal dystrophy. Also called: Inherited retinal dystrophy. Identifiers: Orphanet 71862, MedGen C0854723, MeSH D058499, MONDO:0019118, HP:0000556.

Allele frequency attached by ClinVar (database versions not stated): ExAC 0.00003; TOPMed 0.00005; gnomAD 0.00007; gnomAD exomes 0.00002.
gnomAD v4.1: 14 of 1,613,682 alleles (0.00087%); highest among the groups gnomAD compares: African/African-American, 0.016%; no homozygotes.

Submissions (8):

GeneDx
Classification: Uncertain significance. Last evaluated: 2025-03-03. Review status: criteria provided, single submitter. Criteria: GeneDx Variant Classification Process June 2021. Collection method: clinical testing. Allele origin: germline. Affected: yes.
Comment: In silico analysis indicates that this missense variant does not alter protein structure/function; Has not been previously published as pathogenic or benign to our knowledge

Women's Health and Genetics/Laboratory Corporation of America, LabCorp
Classification: Uncertain significance. Last evaluated: 2024-05-15. Review status: criteria provided, single submitter. Criteria: LabCorp Variant Classification Summary - May 2015. Collection method: clinical testing. Allele origin: germline.
Comment: Variant summary: USH2A c.191G>A (p.Ser64Asn) results in a conservative amino acid change in the encoded protein sequence. Four of five in-silico tools predict a benign effect of the variant on protein function. The variant allele was found at a frequency of 1.6e-05 in 250968 control chromosomes. The available data on variant occurrences in the general population are insufficient to allow any conclusion about variant significance. To our knowledge, no occurrence of c.191G>A in individuals affected with Usher Syndrome and no experimental evidence demonstrating its impact on protein function have been reported. ClinVar contains an entry for this variant (Variation ID: 1021160). Based on the evidence outlined above, the variant was classified as uncertain significance.

Genome-Nilou Lab
Classification: Uncertain significance for Retinitis pigmentosa 39. Last evaluated: 2023-11-04. Review status: criteria provided, single submitter. Criteria: ACMG Guidelines, 2015. Collection method: clinical testing. Allele origin: germline. Affected: no.

Genome-Nilou Lab
Classification: Uncertain significance for Usher syndrome type 2A. Last evaluated: 2023-11-04. Review status: criteria provided, single submitter. Criteria: ACMG Guidelines, 2015. Collection method: clinical testing. Allele origin: germline. Affected: no.

Labcorp Genetics (formerly Invitae), Labcorp
Classification: Uncertain significance. Last evaluated: 2022-07-12. Review status: criteria provided, single submitter. Criteria: Invitae Variant Classification Sherloc (09022015). Collection method: clinical testing. Allele origin: germline.
Comment: This sequence change replaces serine, which is neutral and polar, with asparagine, which is neutral and polar, at codon 64 of the USH2A protein (p.Ser64Asn). The frequency data for this variant in the population databases is considered unreliable, as metrics indicate poor data quality at this position in the gnomAD database. This variant has not been reported in the literature in individuals affected with USH2A-related conditions. ClinVar contains an entry for this variant (Variation ID: 1021160). Algorithms developed to predict the effect of missense changes on protein structure and function output the following: SIFT: "Tolerated"; PolyPhen-2: "Benign"; Align-GVGD: "Class C0". The asparagine amino acid residue is found in multiple mammalian species, which suggests that this missense change does not adversely affect protein function. In summary, the available evidence is currently insufficient to determine the role of this variant in disease. Therefore, it has been classified as a Variant of Uncertain Significance.

Blueprint Genetics
Classification: Uncertain significance. Last evaluated: 2022-06-13. Review status: criteria provided, single submitter. Criteria: ACMG Guidelines, 2015. Collection method: clinical testing. Allele origin: germline.

Institute of Human Genetics, Univ. Regensburg, Univ. Regensburg
Classification: Uncertain significance for Retinal dystrophy. Last evaluated: 2023-01-01. Review status: no assertion criteria provided. Criteria: ACMG Guidelines, 2015. Collection method: clinical testing. Allele origin: germline. Affected: yes. Not counted in ClinVar's aggregate classification.

Natera, Inc.
Classification: Uncertain significance for Usher syndrome type 2A. Last evaluated: 2020-07-08. Review status: no assertion criteria provided. Collection method: clinical testing. Allele origin: germline. Not counted in ClinVar's aggregate classification.

NM_206933.4(USH2A):c.191G>A (p.Ser64Asn)

Gene: USH2A (usherin; minus strand). Cytogenetic location: 1q41.
Variant type: single nucleotide variant.
Coding change: c.191G>A on transcript NM_206933.4 (MANE Select); coding-DNA position 191, G replaced by A.
Protein change: p.Ser64Asn; replaces serine 64 with asparagine.
Molecular consequence: missense variant.
Genome position (GRCh38, 1-based): chr1:216,422,146, C>T on the plus strand (G>A on the coding strand, the complement: USH2A is on the minus strand). VCF-style: chr1-216422146-C-T. GRCh37 (hg19) VCF-style: chr1-216595488-C-T.
Other names: c.191G>A, p.Ser64Asn (NM_007123.6); short protein forms S64N.
Identifiers: ClinVar variation 1021160 (VCV001021160.16), dbSNP rs778199517, ClinGen allele CA1396843.
Genomic context (GRCh38, chr1:216,422,146, plus strand): 5'-CAAAACCGCTGGGTACAGAACTGAATACTTTCAGCAGCAGCAGAGCTGTGACAAAAAGTG[C>T]TTCGGTCTGGGAGTCCACATACTGCTTGGGTTGGCACGATGGAAACTTTCTTGAAAGCTC-3'
Protein context (NP_996816.3, residues 54-74): TQAVCGLPDR[Ser64Asn]TFCHSSAAAE